The following is an entry in ClinVar:

NM_022051.3(EGLN1):c.135G>T (p.Glu45Asp)

Gene: EGLN1 (egl-9 family hypoxia inducible factor 1; minus strand). Cytogenetic location: 1q42.2.
Variant type: single nucleotide variant.
Coding change: c.135G>T on transcript NM_022051.3 (MANE Select); coding-DNA position 135, G replaced by T.
Protein change: p.Glu45Asp; replaces glutamic acid 45 with aspartic acid.
Molecular consequence: missense variant.
Genome position (GRCh38, 1-based): chr1:231,421,754, C>A on the plus strand (G>T on the coding strand, the complement: EGLN1 is on the minus strand). VCF-style: chr1-231421754-C-A. GRCh37 (hg19) VCF-style: chr1-231557500-C-A.
Other names: c.135G>T, p.Glu45Asp (NM_001377260.1, NM_001377261.1); short protein forms E45D.
Identifiers: ClinVar variation 1435786 (VCV001435786.11), dbSNP rs2102948215, ClinGen allele CA345238956.

ClinVar aggregate classification (germline): Uncertain significance. Review status: criteria provided, multiple submitters, no conflicts (2 of 4 stars). 2 submissions from 2 submitters: Uncertain significance (2). Last evaluated 2024-11-16.

Conditions:
Erythrocytosis, familial, 3 (ECYT3). Identifiers: Orphanet 247511, MedGen C1853286, MONDO:0012353, OMIM 609820.

gnomAD v4.1: 1 of 1,552,058 alleles (0.000064%); no homozygotes.

Submissions (2):

Ambry Genetics
Classification: Uncertain significance. Last evaluated: 2024-11-16. Review status: criteria provided, single submitter. Criteria: Ambry Variant Classification Scheme 2023. Collection method: clinical testing. Allele origin: germline.
Comment: The p.E45D variant (also known as c.135G>T), located in coding exon 1 of the EGLN1 gene, results from a G to T substitution at nucleotide position 135. The glutamic acid at codon 45 is replaced by aspartic acid, an amino acid with highly similar properties. This amino acid position is conserved. In addition, this alteration is predicted to be tolerated by in silico analysis. Since supporting evidence is limited at this time, the clinical significance of this alteration remains unclear.

Labcorp Genetics (formerly Invitae), Labcorp
Classification: Uncertain significance for Erythrocytosis, familial, 3. Last evaluated: 2024-04-10. Review status: criteria provided, single submitter. Criteria: Invitae Variant Classification Sherloc (09022015). Collection method: clinical testing. Allele origin: germline.
Comment: This sequence change replaces glutamic acid, which is acidic and polar, with aspartic acid, which is acidic and polar, at codon 45 of the EGLN1 protein (p.Glu45Asp). This variant is not present in population databases (gnomAD no frequency). This variant has not been reported in the literature in individuals affected with EGLN1-related conditions. ClinVar contains an entry for this variant (Variation ID: 1435786). An algorithm developed to predict the effect of missense changes on protein structure and function (PolyPhen-2) suggests that this variant is likely to be disruptive. In summary, the available evidence is currently insufficient to determine the role of this variant in disease. Therefore, it has been classified as a Variant of Uncertain Significance.